The following is an entry in ClinVar:

ClinVar aggregate classification (germline): Uncertain significance (1 of 4 stars; one submission).

Submission:

Athena Diagnostics
Classification: Uncertain significance. Last evaluated: 2024-04-22. Review status: criteria provided, single submitter. Criteria: Athena Diagnostics Criteria. Collection method: clinical testing. Allele origin: unknown.
Comment: Available data are insufficient to determine the clinical significance of the variant at this time. This variant has not been reported in large, multi-ethnic general populations. This variant has been identified in at least one individual tested at Athena Diagnostics with clinical features associated with this gene. Polyphen and MutationTaster predict this amino acid change may be damaging to the protein.

NM_001165963.4(SCN1A):c.2117A>T (p.Asp706Val)

Gene: SCN1A (sodium voltage-gated channel alpha subunit 1; minus strand). Cytogenetic location: 2q24.3.
Variant type: single nucleotide variant.
Coding change: c.2117A>T on transcript NM_001165963.4 (MANE Select); coding-DNA position 2117, A replaced by T.
Protein change: p.Asp706Val; replaces aspartic acid 706 with valine.
Molecular consequence: missense variant. On other transcripts: 5 prime UTR variant (1), non-coding transcript variant (1).
Genome position (GRCh38, 1-based): chr2:166,042,351, T>A on the plus strand (A>T on the coding strand, the complement: SCN1A is on the minus strand). VCF-style: chr2-166042351-T-A. GRCh37 (hg19) VCF-style: chr2-166898861-T-A.
Other names: c.2033A>T, p.Asp678Val (NM_001165964.3, NM_001353957.2, NM_001353958.2); c.2117A>T, p.Asp706Val (NM_001202435.3, NM_001353948.2); c.2084A>T, p.Asp695Val (NM_001353949.2, NM_001353950.2, NM_001353951.2 and 2 more transcripts); c.2081A>T, p.Asp694Val (NM_001353954.2, NM_001353955.2); c.2030A>T, p.Asp677Val (NM_001353960.2); c.-342A>T (NM_001353961.2); c.2117A>T (NM_001202435.1); short protein forms D695V, D694V, D677V, D678V, D706V.
Identifiers: ClinVar variation 805381 (VCV000805381.2), dbSNP rs1574209133, ClinGen allele CA349065847.